The following is an entry in ClinVar:

NM_020366.4(RPGRIP1):c.3238+5T>A

Gene: RPGRIP1 (RPGR interacting protein 1; plus strand). Cytogenetic location: 14q11.2.
Variant type: single nucleotide variant.
Coding change: c.3238+5T>A on transcript NM_020366.4 (MANE Select); 5 bases into the intron after coding-DNA position 3238, T replaced by A.
Molecular consequence: intron variant.
Genome position (GRCh38, 1-based): chr14:21,330,392, T>A. VCF-style: chr14-21330392-T-A. GRCh37 (hg19) VCF-style: chr14-21798551-T-A.
Other names: c.2164+5T>A (NM_001377948.1); c.1324+5T>A (NM_001377949.1); c.1216+5T>A (NM_001377523.1); c.1213+5T>A (NM_001377950.1); c.718+5T>A (NM_001377951.1).
Identifiers: ClinVar variation 934007 (VCV000934007.8), dbSNP rs1375504755, ClinGen allele CA704086804.

ClinVar aggregate classification (germline): Uncertain significance. Review status: criteria provided, multiple submitters, no conflicts (2 of 4 stars). 2 submissions from 2 submitters: Uncertain significance (2). Last evaluated 2023-08-30.

Conditions:
Leber congenital amaurosis 6 (LCA6). Identifiers: Orphanet 65, MedGen C1854260, MONDO:0013446, OMIM 613826.
Cone-rod dystrophy 13 (CORD13). Identifiers: Orphanet 1872, MedGen C2750720, MONDO:0011987, OMIM 608194.

Allele frequency attached by ClinVar (database versions not stated): TOPMed below 0.00001.
gnomAD v4.1: 10 of 1,493,942 alleles (0.00067%); highest among the groups gnomAD compares: Non-Finnish European, 0.00089%; no homozygotes.

Submissions (2):

Labcorp Genetics (formerly Invitae), Labcorp
Classification: Uncertain significance for Leber congenital amaurosis 6; Cone-rod dystrophy 13. Last evaluated: 2023-08-30. Review status: criteria provided, single submitter. Criteria: Invitae Variant Classification Sherloc (09022015). Collection method: clinical testing. Allele origin: germline.
Comment: This sequence change falls in intron 19 of the RPGRIP1 gene. It does not directly change the encoded amino acid sequence of the RPGRIP1 protein. It affects a nucleotide within the consensus splice site. This variant is not present in population databases (gnomAD no frequency). This variant has not been reported in the literature in individuals affected with RPGRIP1-related conditions. ClinVar contains an entry for this variant (Variation ID: 934007). Variants that disrupt the consensus splice site are a relatively common cause of aberrant splicing (PMID: 17576681, 9536098). Algorithms developed to predict the effect of sequence changes on RNA splicing suggest that this variant is not likely to affect RNA splicing. In summary, the available evidence is currently insufficient to determine the role of this variant in disease. Therefore, it has been classified as a Variant of Uncertain Significance.

Blueprint Genetics
Classification: Uncertain significance. Last evaluated: 2021-08-19. Review status: criteria provided, single submitter. Criteria: ACMG Guidelines, 2015. Collection method: clinical testing. Allele origin: germline.

Literature cited by the submitters: PubMed 17576681 (cited by Labcorp Genetics (formerly Invitae), Labcorp); PubMed 9536098 (cited by Labcorp Genetics (formerly Invitae), Labcorp).